The following is an entry in ClinVar:

ClinVar aggregate classification (germline): Uncertain significance (1 of 4 stars; one submission).

Conditions:
Hereditary cancer-predisposing syndrome. Also called: Tumor predisposition; Hereditary neoplastic syndrome; Hereditary Cancer Syndrome; Neoplastic Syndromes, Hereditary. Identifiers: Orphanet 140162, MedGen C0027672, MeSH D009386, MONDO:0015356.

Submission:

Ambry Genetics
Classification: Uncertain significance for Hereditary cancer-predisposing syndrome. Last evaluated: 2025-04-11. Review status: criteria provided, single submitter. Criteria: Ambry Variant Classification Scheme 2023. Collection method: clinical testing. Allele origin: germline.
Comment: The p.S457I variant (also known as c.1370G>T), located in coding exon 11 of the PMS2 gene, results from a G to T substitution at nucleotide position 1370. The serine at codon 457 is replaced by isoleucine, an amino acid with dissimilar properties. This amino acid position is conserved. In addition, this alteration is predicted to be tolerated by in silico analysis. Based on the available evidence, the clinical significance of this variant remains unclear.

NM_000535.7(PMS2):c.1370G>T (p.Ser457Ile)

Gene: PMS2 (PMS1 homolog 2, mismatch repair system component; minus strand). Cytogenetic location: 7p22.1.
Variant type: single nucleotide variant.
Coding change: c.1370G>T on transcript NM_000535.7 (MANE Select); coding-DNA position 1370, G replaced by T.
Protein change: p.Ser457Ile; replaces serine 457 with isoleucine.
Molecular consequence: missense variant. On other transcripts: non-coding transcript variant (1), intron variant (1).
Genome position (GRCh38, 1-based): chr7:5,987,395, C>A on the plus strand (G>T on the coding strand, the complement: PMS2 is on the minus strand). VCF-style: chr7-5987395-C-A. GRCh37 (hg19) VCF-style: chr7-6027026-C-A.
Other names: c.1370G>T, p.Ser457Ile (NM_001406871.1, NM_001406872.1, NM_001322014.2); c.1172G>T, p.Ser391Ile (NM_001406873.1); c.965G>T, p.Ser322Ile (NM_001406892.1, NM_001406893.1, NM_001406894.1 and 16 more transcripts); c.905G>T, p.Ser302Ile (NM_001406900.1); c.896G>T, p.Ser299Ile (NM_001406901.1, NM_001406902.1); c.1202G>T, p.Ser401Ile (NM_001406874.1); c.1061G>T, p.Ser354Ile (NM_001406875.1, NM_001406877.1, NM_001406878.1 and 5 more transcripts); c.1052G>T, p.Ser351Ile (NM_001406876.1, NM_001322007.2, NM_001322008.2 and 2 more transcripts); and 13 more; short protein forms S146I, S302I, S322I, S391I, S405I, S465I, S349I, S200I.
Identifiers: ClinVar variation 3935125 (VCV003935125.1).